The following is an entry in ClinVar:

ClinVar aggregate classification (germline): Uncertain significance (1 of 4 stars; one submission).

Conditions:
NRP1-related disorder. Also called: NRP1-related condition.

Submission:

PreventionGenetics, part of Exact Sciences
Classification: Uncertain significance for NRP1-related condition. Last evaluated: 2023-03-12. Review status: criteria provided, single submitter. Criteria: ACMG Guidelines, 2015. Collection method: clinical testing. Allele origin: germline.
Comment: The NRP1 c.127G>A variant is predicted to result in the amino acid substitution p.Gly43Ser. To our knowledge, this variant has not been reported in the literature or in a large population database, indicating this variant is rare. At this time, the clinical significance of this variant is uncertain due to the absence of conclusive functional and genetic evidence.

NM_003873.7(NRP1):c.127G>A (p.Gly43Ser)

Gene: NRP1 (neuropilin 1; minus strand). Cytogenetic location: 10p11.22.
Variant type: single nucleotide variant.
Coding change: c.127G>A on transcript NM_003873.7 (MANE Select); coding-DNA position 127, G replaced by A.
Protein change: p.Gly43Ser; replaces glycine 43 with serine.
Molecular consequence: missense variant. On other transcripts: non-coding transcript variant (1).
Genome position (GRCh38, 1-based): chr10:33,330,829, C>T on the plus strand (G>A on the coding strand, the complement: NRP1 is on the minus strand). VCF-style: chr10-33330829-C-T. GRCh37 (hg19) VCF-style: chr10-33619757-C-T.
Other names: c.127G>A, p.Gly43Ser (NM_001024628.3, NM_001024629.3, NM_001244972.2 and 2 more transcripts); short protein forms G43S.
Identifiers: ClinVar variation 2635613 (VCV002635613.1), dbSNP rs2493473679, ClinGen allele CA376510306.